The following is an entry in ClinVar:

NM_000372.5(TYR):c.333C>G (p.Asn111Lys)

Gene: TYR (tyrosinase; plus strand). Cytogenetic location: 11q14.3.
Variant type: single nucleotide variant.
Coding change: c.333C>G on transcript NM_000372.5 (MANE Select); coding-DNA position 333, C replaced by G.
Protein change: p.Asn111Lys; replaces asparagine 111 with lysine.
Molecular consequence: missense variant.
Genome position (GRCh38, 1-based): chr11:89,178,286, C>G. VCF-style: chr11-89178286-C-G. GRCh37 (hg19) VCF-style: chr11-88911454-C-G.
Other names: short protein forms N111K.
Identifiers: ClinVar variation 1460506 (VCV001460506.3), dbSNP rs1428763809, ClinGen allele CA382034171.

ClinVar aggregate classification (germline): Uncertain significance (1 of 4 stars; one submission).

Allele frequency attached by ClinVar (database versions not stated): TOPMed below 0.00001; gnomAD 0.00001.
gnomAD v4.1: 2 of 1,614,052 alleles (0.00012%); highest among the groups gnomAD compares: African/African-American, 0.0027%; no homozygotes.

Submission:

Labcorp Genetics (formerly Invitae), Labcorp
Classification: Uncertain significance. Last evaluated: 2021-08-07. Review status: criteria provided, single submitter. Criteria: Invitae Variant Classification Sherloc (09022015). Collection method: clinical testing. Allele origin: germline.
Comment: This sequence change replaces asparagine with lysine at codon 111 of the TYR protein (p.Asn111Lys). The asparagine residue is moderately conserved and there is a moderate physicochemical difference between asparagine and lysine. This variant is not present in population databases (ExAC no frequency). This variant has not been reported in the literature in individuals affected with TYR-related conditions. Advanced modeling of protein sequence and biophysical properties (such as structural, functional, and spatial information, amino acid conservation, physicochemical variation, residue mobility, and thermodynamic stability) performed at Invitae indicates that this missense variant is not expected to disrupt TYR protein function. In summary, the available evidence is currently insufficient to determine the role of this variant in disease. Therefore, it has been classified as a Variant of Uncertain Significance.